The following is an entry in ClinVar:

ClinVar aggregate classification (germline): Uncertain significance (1 of 4 stars; one submission).

Submission:

Labcorp Genetics (formerly Invitae), Labcorp
Classification: Uncertain significance. Last evaluated: 2022-08-02. Review status: criteria provided, single submitter. Criteria: Invitae Variant Classification Sherloc (09022015). Collection method: clinical testing. Allele origin: germline.
Comment: Algorithms developed to predict the effect of missense changes on protein structure and function are either unavailable or do not agree on the potential impact of this missense change (SIFT: "Deleterious"; PolyPhen-2: "Benign"; Align-GVGD: "Class C0"). In summary, the available evidence is currently insufficient to determine the role of this variant in disease. Therefore, it has been classified as a Variant of Uncertain Significance. This variant has not been reported in the literature in individuals affected with CCT2-related conditions. This variant is not present in population databases (gnomAD no frequency). This sequence change replaces valine, which is neutral and non-polar, with leucine, which is neutral and non-polar, at codon 401 of the CCT2 protein (p.Val401Leu).

NM_006431.3(CCT2):c.1201G>C (p.Val401Leu)

Gene: CCT2 (chaperonin containing TCP1 subunit 2; plus strand). Cytogenetic location: 12q15.
Variant type: single nucleotide variant.
Coding change: c.1201G>C on transcript NM_006431.3 (MANE Select); coding-DNA position 1201, G replaced by C.
Protein change: p.Val401Leu; replaces valine 401 with leucine.
Molecular consequence: missense variant.
Genome position (GRCh38, 1-based): chr12:69,597,736, G>C. VCF-style: chr12-69597736-G-C. GRCh37 (hg19) VCF-style: chr12-69991516-G-C.
Other names: c.1060G>C, p.Val354Leu (NM_001198842.2); short protein forms V401L, V354L.
Identifiers: ClinVar variation 2086449 (VCV002086449.4), dbSNP rs751977437, ClinGen allele CA385730817.